The following is an entry in ClinVar:

NM_001458.5(FLNC):c.3089C>T (p.Pro1030Leu)

Gene: FLNC (filamin C; plus strand). Cytogenetic location: 7q32.1.
Variant type: single nucleotide variant.
Coding change: c.3089C>T on transcript NM_001458.5 (MANE Select); coding-DNA position 3089, C replaced by T.
Protein change: p.Pro1030Leu; replaces proline 1030 with leucine.
Molecular consequence: missense variant.
Genome position (GRCh38, 1-based): chr7:128,844,163, C>T. VCF-style: chr7-128844163-C-T. GRCh37 (hg19) VCF-style: chr7-128484217-C-T.
Other names: c.3089C>T, p.Pro1030Leu (NM_001127487.2); short protein forms P1030L.
Identifiers: ClinVar variation 3221719 (VCV003221719.2), dbSNP rs2128936198, ClinGen allele CA369194280.

ClinVar aggregate classification (germline): Uncertain significance. Review status: criteria provided, multiple submitters, no conflicts (2 of 4 stars). 2 submissions from 2 submitters: Uncertain significance (2). Last evaluated 2025-02-24.

Conditions:
Cardiovascular phenotype. Identifiers: MedGen CN230736.
Distal myopathy with posterior leg and anterior hand involvement. Also called: WILLIAMS DISTAL MYOPATHY. Identifiers: Orphanet 63273, MedGen C3279722, MONDO:0013550, OMIM 614065.
Hypertrophic cardiomyopathy 26. Also called: Cardiomyopathy, familial hypertrophic, 26. Identifiers: Orphanet 75249, MedGen C4310749, MONDO:0014883, OMIM 617047.
Myofibrillar myopathy 5. Also called: FILAMINOPATHY, AUTOSOMAL DOMINANT; Filaminopathy (type). Identifiers: Orphanet 171445, MedGen C1836050, MONDO:0012289, OMIM 609524.

Submissions (2):

Labcorp Genetics (formerly Invitae), Labcorp
Classification: Uncertain significance for Distal myopathy with posterior leg and anterior hand involvement; Myofibrillar myopathy 5; Hypertrophic cardiomyopathy 26. Last evaluated: 2025-02-24. Review status: criteria provided, single submitter. Criteria: Invitae Variant Classification Sherloc (09022015). Collection method: clinical testing. Allele origin: germline.
Comment: This sequence change replaces proline, which is neutral and non-polar, with leucine, which is neutral and non-polar, at codon 1030 of the FLNC protein (p.Pro1030Leu). This variant is not present in population databases (gnomAD no frequency). This variant has not been reported in the literature in individuals affected with FLNC-related conditions. ClinVar contains an entry for this variant (Variation ID: 3221719). Invitae Evidence Modeling of protein sequence and biophysical properties (such as structural, functional, and spatial information, amino acid conservation, physicochemical variation, residue mobility, and thermodynamic stability) has been performed for this missense variant. However, the output from this modeling did not meet the statistical confidence thresholds required to predict the impact of this variant on FLNC protein function. In summary, the available evidence is currently insufficient to determine the role of this variant in disease. Therefore, it has been classified as a Variant of Uncertain Significance.

Ambry Genetics
Classification: Uncertain significance for Cardiovascular phenotype. Last evaluated: 2023-12-25. Review status: criteria provided, single submitter. Criteria: Ambry Variant Classification Scheme 2023. Collection method: clinical testing. Allele origin: germline.
Comment: The p.P1030L variant (also known as c.3089C>T), located in coding exon 20 of the FLNC gene, results from a C to T substitution at nucleotide position 3089. The proline at codon 1030 is replaced by leucine, an amino acid with similar properties. This amino acid position is conserved. In addition, this alteration is predicted to be deleterious by in silico analysis. Since supporting evidence is limited at this time, the clinical significance of this alteration remains unclear.